The following is an entry in ClinVar:

ClinVar aggregate classification (germline): Uncertain significance (1 of 4 stars; one submission).

gnomAD v4.1: 6 of 1,609,250 alleles (0.00037%); highest among the groups gnomAD compares: Non-Finnish European, 0.00051%; no homozygotes.

Submission:

Labcorp Genetics (formerly Invitae), Labcorp
Classification: Uncertain significance. Last evaluated: 2025-12-08. Review status: criteria provided, single submitter. Criteria: Invitae Variant Classification Sherloc (09022015). Collection method: clinical testing. Allele origin: germline.
Comment: This sequence change replaces serine, which is neutral and polar, with asparagine, which is neutral and polar, at codon 73 of the KRT16 protein (p.Ser73Asn). This variant is present in population databases (no rsID available, gnomAD 0.007%). This variant has not been reported in the literature in individuals affected with KRT16-related conditions. Invitae Evidence Modeling of protein sequence and biophysical properties (such as structural, functional, and spatial information, amino acid conservation, physicochemical variation, residue mobility, and thermodynamic stability) indicates that this missense variant is not expected to disrupt KRT16 protein function with a negative predictive value of 95%. In summary, the available evidence is currently insufficient to determine the role of this variant in disease. Therefore, it has been classified as a Variant of Uncertain Significance.

NM_005557.4(KRT16):c.218G>A (p.Ser73Asn)

Gene: KRT16 (keratin 16; minus strand). Cytogenetic location: 17q21.2.
Variant type: single nucleotide variant.
Coding change: c.218G>A on transcript NM_005557.4 (MANE Select); coding-DNA position 218, G replaced by A.
Protein change: p.Ser73Asn; replaces serine 73 with asparagine.
Molecular consequence: missense variant.
Genome position (GRCh38, 1-based): chr17:41,612,471, C>T on the plus strand (G>A on the coding strand, the complement: KRT16 is on the minus strand). VCF-style: chr17-41612471-C-T. GRCh37 (hg19) VCF-style: chr17-39768723-C-T.
Other names: short protein forms S73N.
Identifiers: ClinVar variation 4750413 (VCV004750413.1).